The following is an entry in ClinVar:

ClinVar aggregate classification (germline): Uncertain significance (1 of 4 stars; one submission).

Conditions:
DCDC2-related disorder. Also called: DCDC2-related condition.

Submission:

PreventionGenetics, part of Exact Sciences
Classification: Uncertain significance for DCDC2-related condition. Last evaluated: 2026-05-14. Review status: criteria provided, single submitter. Criteria: ACMG Guidelines, 2015. Collection method: clinical testing. Allele origin: germline.
Comment: The DCDC2 c.1324G>A variant is predicted to result in the amino acid substitution p.Glu442Lys. To our knowledge, this variant has not been reported in the literature or in a large population database (gnomAD), indicating this variant is rare. At this time, the clinical significance of this variant is uncertain due to the absence of conclusive functional and genetic evidence.

NM_016356.5(DCDC2):c.1324G>A (p.Glu442Lys)

Gene: DCDC2 (doublecortin domain containing 2; minus strand). Cytogenetic location: 6p22.3.
Variant type: single nucleotide variant.
Coding change: c.1324G>A on transcript NM_016356.5 (MANE Select); coding-DNA position 1324, G replaced by A.
Protein change: p.Glu442Lys; replaces glutamic acid 442 with lysine.
Molecular consequence: missense variant.
Genome position (GRCh38, 1-based): chr6:24,178,332, C>T on the plus strand (G>A on the coding strand, the complement: DCDC2 is on the minus strand). VCF-style: chr6-24178332-C-T. GRCh37 (hg19) VCF-style: chr6-24178560-C-T.
Other names: c.1324G>A, p.Glu442Lys (NM_001195610.2); short protein forms E442K.
Identifiers: ClinVar variation 4988375 (VCV004988375.1).
Genomic context (GRCh38, chr6:24,178,332, plus strand): 5'-CATGTACACACACACATATTCATGCATTCACATAAGCAAGCAAAAGCAATAGAAATACCT[C>T]ATCTTGTCCACTGCCAGCTCCTTGAGACTTTCTTTCCTTGTCTAGGACCAGTTGAAGCTC-3'
Protein context (NP_057440.2, residues 432-452): KSQGAGSGQD[Glu442Lys]ADVDPQRPPR